The following is an entry in ClinVar:

ClinVar aggregate classification (germline): Likely pathogenic. Review status: criteria provided, multiple submitters, no conflicts (2 of 4 stars). 5 submissions from 5 submitters: Likely pathogenic (3). 2 of the submissions do not count toward it. Last evaluated 2025-07-08.

Conditions:
TMPRSS6-related disorder. Also called: TMPRSS6-related condition.
Iron-refractory iron deficiency anemia (IRIDA). Also called: ANEMIA, HYPOCHROMIC MICROCYTIC, WITH DEFECT IN IRON METABOLISM; PSEUDO-IRON-DEFICIENCY ANEMIA; IRIDA syndrome; IRON-HANDLING DISORDER, HEREDITARY. Identifiers: Orphanet 209981, MedGen C0085576, MONDO:0008788, OMIM 206200. Disease mechanism: loss of function.

Allele frequency attached by ClinVar (database versions not stated): ExAC below 0.00001; gnomAD exomes below 0.00001 and 0.00001; gnomAD 0.00001; TOPMed 0.00001; 1000 Genomes Project 30x 0.00016; 1000 Genomes Project 0.00040.
gnomAD v4.1: 8 of 1,567,206 alleles (0.00051%); highest among the groups gnomAD compares: African/African-American, 0.0027%; no homozygotes.

Submissions (5):

GeneDx
Classification: Likely pathogenic. Last evaluated: 2025-07-08. Review status: criteria provided, single submitter. Criteria: GeneDx Variant Classification Process June 2021. Collection method: clinical testing. Allele origin: germline. Affected: yes.
Comment: Observed with a second variant (phase unknown) in an individual with iron-refractory iron deficiency anemia in the literature (PMID: 18408718); Nonsense variant predicted to result in protein truncation or nonsense mediated decay in a gene for which loss of function is a known mechanism of disease; Not observed at significant frequency in large population cohorts (gnomAD); This variant is associated with the following publications: (PMID: 25525159, 25156943, 18408718)

Broad Center for Mendelian Genomics, Broad Institute of MIT and Harvard
Classification: Likely pathogenic for Iron-refractory iron deficiency anemia. Last evaluated: 2023-05-02. Review status: criteria provided, single submitter. Criteria: ACMG Guidelines, 2015. Collection method: curation. Allele origin: germline. Inheritance: Autosomal recessive inheritance.
Comment: The p.Tyr346Ter variant in TMPRSS6 has been previously reported in one individual with iron-refractory iron deficiency anemia (PMID: 18408718) but has been identified in 0.009% (1/10706) of African/African American chromosomes by the Genome Aggregation Database (gnomAD; dbSNP ID: rs137853121). Although this variant has been seen in the general population in a heterozygous state, its frequency is low enough to be consistent with a recessive carrier frequency. This previously reported individual was a compound heterozygote that carried a reported likely pathogenic variant in unknown phase (ClinVar Variation ID: 1406), which increases the likelihood that the p.Tyr346Ter variant is pathogenic. This variant has also been reported in ClinVar (Variation ID: 1405) and has been interpreted as pathogenic by OMIM and as likely pathogenic by GeneDx. This nonsense variant leads to a premature termination codon at position 346, which is predicted to lead to a truncated or absent protein. Loss of function of the TMPRSS6 gene is an established disease mechanism in autosomal recessive iron-refractory iron deficiency anemia. In summary, although additional studies are required to fully establish its clinical significance, this variant is likely pathogenic for autosomal recessive iron-refractory iron deficiency anemia. ACMG/AMP Criteria applied: PVS1, PM2_Supporting (Richards 2015).

Blueprint Genetics
Classification: Likely pathogenic for TMPRSS6-related disorders. Last evaluated: 2022-02-16. Review status: criteria provided, single submitter. Criteria: ACMG Guidelines, 2015. Collection method: clinical testing. Allele origin: germline. Affected: yes. Observed: 1 variant allele.

PreventionGenetics, part of Exact Sciences
Classification: Likely pathogenic for TMPRSS6-related condition. Last evaluated: 2023-11-30. Review status: no assertion criteria provided. Collection method: clinical testing. Allele origin: germline. Not counted in ClinVar's aggregate classification.
Comment: The TMPRSS6 c.1065C>A variant is predicted to result in premature protein termination (p.Tyr355*). This variant was reported along with a second likely disease-causing TMPRSS6 variant in an individual with iron-refractory iron deficiency anaemia (Finberg KE et al 2008. PubMed ID: 18408718). This variant is reported in 0.0093% of alleles in individuals of African descent in gnomAD. Nonsense variants in TMPRSS6 are expected to be pathogenic. This variant is interpreted as likely pathogenic.

OMIM
Classification: Pathogenic for IRON-REFRACTORY IRON DEFICIENCY ANEMIA. Last evaluated: 2008-05-01. Review status: no assertion criteria provided. Collection method: literature only. Allele origin: germline. Not counted in ClinVar's aggregate classification.

Literature cited by the submitters: PubMed 18408718 (cited by OMIM).

NM_001374504.1(TMPRSS6):c.1038C>A (p.Tyr346Ter)

Gene: TMPRSS6 (transmembrane serine protease 6; minus strand). Cytogenetic location: 22q12.3.
Variant type: single nucleotide variant.
Coding change: c.1038C>A on transcript NM_001374504.1 (MANE Select); coding-DNA position 1038, C replaced by A.
Protein change: p.Tyr346Ter; replaces tyrosine 346 with a stop codon.
Molecular consequence: nonsense.
Genome position (GRCh38, 1-based): chr22:37,084,775, G>T on the plus strand (C>A on the coding strand, the complement: TMPRSS6 is on the minus strand). VCF-style: chr22-37084775-G-T. GRCh37 (hg19) VCF-style: chr22-37480815-G-T.
Other names: Y355*; NM_001374504.1(TMPRSS6):c.1038C>A; p.Tyr346Ter; c.1038C>A, p.Tyr346Ter (NM_001289000.2, NM_001289001.2, NM_153609.4); short protein forms Y346*.
Identifiers: ClinVar variation 1405 (VCV000001405.8), dbSNP rs137853121, ClinGen allele CA114991.